The following is an entry in ClinVar:

ClinVar aggregate classification (germline): Pathogenic. Review status: criteria provided, single submitter (1 of 4 stars). 2 submissions from 2 submitters: Pathogenic (1). 1 of the submissions does not count toward it. Last evaluated 2023-12-28.

Conditions:
DNAH9-related disorder. Also called: DNAH9-related condition.

Submissions (2):

Labcorp Genetics (formerly Invitae), Labcorp
Classification: Pathogenic. Last evaluated: 2023-12-28. Review status: criteria provided, single submitter. Criteria: Invitae Variant Classification Sherloc (09022015). Collection method: clinical testing. Allele origin: germline.
Comment: This sequence change creates a premature translational stop signal (p.Phe1666Valfs*10) in the DNAH9 gene. It is expected to result in an absent or disrupted protein product. Loss-of-function variants in DNAH9 are known to be pathogenic (PMID: 30471718). This variant is present in population databases (no rsID available, gnomAD 0.0009%). This variant has not been reported in the literature in individuals affected with DNAH9-related conditions. For these reasons, this variant has been classified as Pathogenic.

PreventionGenetics, part of Exact Sciences
Classification: Likely pathogenic for DNAH9-related condition. Last evaluated: 2023-10-24. Review status: no assertion criteria provided. Collection method: clinical testing. Allele origin: germline. Not counted in ClinVar's aggregate classification.
Comment: The DNAH9 c.4995_4998delTTTC variant is predicted to result in a frameshift and premature protein termination (p.Phe1666Valfs*10). To our knowledge, this variant has not been reported in the literature. This variant is reported in 0.0015% of alleles in individuals of European (Non-Finnish) descent in gnomAD. Frameshift variants in DNAH9 are expected to be pathogenic. This variant is interpreted as likely pathogenic.

Literature cited by the submitters: PubMed 30471718 (cited by Labcorp Genetics (formerly Invitae), Labcorp).

NM_001372.4(DNAH9):c.4995_4998del (p.Phe1666fs)

Genes: DNAH9 (dynein axonemal heavy chain 9; plus strand), LOC126862506 (BRD4-independent group 4 enhancer GRCh37_chr17:11602804-11604003; plus strand). Cytogenetic location: 17p12.
Variant type: Deletion.
Coding change: c.4995_4998del on transcript NM_001372.4 (MANE Select); coding-DNA positions 4995 to 4998, 4 bases deleted (TTTC; older notation c.4995_4998delTTTC).
Protein change: p.Phe1666fs; shifts the reading frame from phenylalanine 1666.
Molecular consequence: frameshift variant.
Genome position (GRCh38, 1-based): chr17:11,699,853-11,699,856, TTTC deleted; deleting any 4 consecutive bases within chr17:11,699,852-11,699,856 gives the same sequence; the c. name uses the placement nearest the transcript's 3' end. VCF-style (leftmost placement, unchanged base first): chr17-11699851-GCTTT-G. GRCh37 (hg19) VCF-style: chr17-11603168-GCTTT-G.
Other names: c.4995_4998delTTTC (NM_001372.3); short protein forms F1666fs.
Identifiers: ClinVar variation 2987932 (VCV002987932.5), dbSNP rs1432439769, ClinGen allele CA497871782.